The following is an entry in ClinVar:

ClinVar aggregate classification (germline): Uncertain significance (0 of 4 stars; one submission).

Conditions:
MC4R-related disorder. Also called: MC4R-related condition.

Submission:

PreventionGenetics, part of Exact Sciences
Classification: Uncertain significance for MC4R-related condition. Last evaluated: 2024-06-21. Review status: no assertion criteria provided. Collection method: clinical testing. Allele origin: germline.
Comment: The MC4R c.106T>A variant is predicted to result in the amino acid substitution p.Ser36Thr. This variant has been reported  reported in an individual with adulthood-onset obesity (Salum et al. 2020. PubMed ID: 33362866). In vitro functional studies reported no difference in protein activity when compared to wild type (Table S1 and Table S3, Wade et al. 2021. PubMed ID: 34045736). This variant is reported in 0.0080% of alleles in individuals of African descent in gnomAD. At this time, the clinical significance of this variant is uncertain due to the absence of conclusive functional and genetic evidence.

NM_005912.3(MC4R):c.106T>A (p.Ser36Thr)

Gene: MC4R (melanocortin 4 receptor; minus strand). Cytogenetic location: 18q21.32.
Variant type: single nucleotide variant.
Coding change: c.106T>A on transcript NM_005912.3 (MANE Select); coding-DNA position 106, T replaced by A.
Protein change: p.Ser36Thr; replaces serine 36 with threonine.
Molecular consequence: missense variant.
Genome position (GRCh38, 1-based): chr18:60,372,244, A>T on the plus strand (T>A on the coding strand, the complement: MC4R is on the minus strand). VCF-style: chr18-60372244-A-T. GRCh37 (hg19) VCF-style: chr18-58039477-A-T.
Other names: short protein forms S36T.
Identifiers: ClinVar variation 3357505 (VCV003357505.1).